The following is an entry in ClinVar:

ClinVar aggregate classification (germline): Benign (1 of 4 stars; one submission).

Conditions:
Juvenile polyposis syndrome (JPS). Identifiers: Orphanet 2929, MedGen C0345893, MONDO:0017380, OMIM 174900.

Submission:

Myriad Genetics, Inc.
Classification: Benign for Juvenile polyposis syndrome. Last evaluated: 2024-07-31. Review status: criteria provided, single submitter. Criteria: Myriad Autosomal Dominant, Autosomal Recessive and X-Linked Classification Criteria (2023). Collection method: clinical testing. Allele origin: unknown.
Comment: This variant is considered benign. This variant is a silent/synonymous amino acid change and it is not expected to impact splicing.

NM_004329.3(BMPR1A):c.294A>T (p.Ser98=)

Gene: BMPR1A (bone morphogenetic protein receptor type 1A; plus strand). Cytogenetic location: 10q23.2.
Variant type: single nucleotide variant.
Coding change: c.294A>T on transcript NM_004329.3 (MANE Select); coding-DNA position 294, A replaced by T.
Protein change: p.Ser98=; no amino-acid change (serine 98 retained).
Molecular consequence: synonymous variant. On other transcripts: non-coding transcript variant (3).
Genome position (GRCh38, 1-based): chr10:86,892,190, A>T. VCF-style: chr10-86892190-A-T. GRCh37 (hg19) VCF-style: chr10-88651947-A-T.
Other names: c.294A>T, p.Ser98= (NM_001406559.1, NM_001406560.1, NM_001406561.1 and 23 more transcripts); c.210A>T, p.Ser70= (NM_001406584.1, NM_001406585.1, NM_001406586.1 and 2 more transcripts).
Identifiers: ClinVar variation 3378845 (VCV003378845.1).
Genomic context (GRCh38, chr10:86,892,190, plus strand): 5'-TAATGGACATTGCTTTGCCATCATAGAAGAAGATGACCAGGGAGAAACCACATTAGCTTC[A>T]GGGTGTATGAAATATGAAGGATCTGATTTTCAGTGCAAAGTAAGATATAATTTGGGACCC-3'
Protein context (NP_004320.2, residues 88-108): EDDQGETTLA[Ser98=]GCMKYEGSDF